The following is an entry in ClinVar:

NM_001394372.1(BICRA):c.4002G>C (p.Pro1334=)

Gene: BICRA (BRD4 interacting chromatin remodeling complex associated protein; plus strand). Cytogenetic location: 19q13.33.
Variant type: single nucleotide variant.
Coding change: c.4002G>C on transcript NM_001394372.1 (MANE Select); coding-DNA position 4002, G replaced by C.
Protein change: p.Pro1334=; no amino-acid change (proline 1334 retained).
Molecular consequence: synonymous variant.
Genome position (GRCh38, 1-based): chr19:47,701,734, G>C. VCF-style: chr19-47701734-G-C. GRCh37 (hg19) VCF-style: chr19-48204991-G-C.
Other names: c.4002G>C, p.Pro1334= (NM_015711.3).
Identifiers: ClinVar variation 2650183 (VCV002650183.24), dbSNP rs1448513557, ClinGen allele CA508260099.

ClinVar aggregate classification (germline): Likely benign (1 of 4 stars; one submission).

Submission:

CeGaT Center for Human Genetics Tuebingen
Classification: Likely benign. Last evaluated: 2023-05-01. Review status: criteria provided, single submitter. Criteria: CeGaT Center For Human Genetics Tuebingen Variant Classification Criteria Version 2. Collection method: clinical testing. Allele origin: germline. Affected: yes. Observed: 5 variant alleles.
Comment: BICRA: BP4, BP7